The following is an entry in ClinVar:

NM_152296.5(ATP1A3):c.2124T>C (p.Gly708=)

Gene: ATP1A3 (ATPase Na+/K+ transporting subunit alpha 3; minus strand). Cytogenetic location: 19q13.2.
Variant type: single nucleotide variant.
Coding change: c.2124T>C on transcript NM_152296.5 (MANE Select); coding-DNA position 2124, T replaced by C.
Protein change: p.Gly708=; no amino-acid change (glycine 708 retained).
Molecular consequence: synonymous variant.
Genome position (GRCh38, 1-based): chr19:41,975,768, A>G on the plus strand (T>C on the coding strand, the complement: ATP1A3 is on the minus strand). VCF-style: chr19-41975768-A-G. GRCh37 (hg19) VCF-style: chr19-42479920-A-G.
Other names: c.2157T>C, p.Gly719= (NM_001256213.2); c.2163T>C, p.Gly721= (NM_001256214.2).
Identifiers: ClinVar variation 3050748 (VCV003050748.2), dbSNP rs782662748, ClinGen allele CA507584339.

ClinVar aggregate classification (germline): Likely benign (0 of 4 stars; one submission).

Conditions:
ATP1A3-related disorder. Also called: ATP1A3-related condition; ATP1A3-related disorders. Identifiers: MedGen CN381097.

Allele frequency attached by ClinVar (database versions not stated): TOPMed below 0.00001.
gnomAD v4.1: 4 of 1,613,986 alleles (0.00025%); highest among the groups gnomAD compares: Non-Finnish European, 0.00034%; no homozygotes.

Submission:

PreventionGenetics, part of Exact Sciences
Classification: Likely benign for ATP1A3-related condition. Last evaluated: 2019-07-15. Review status: no assertion criteria provided. Collection method: clinical testing. Allele origin: germline.
Comment: This variant is classified as likely benign based on ACMG/AMP sequence variant interpretation guidelines (Richards et al. 2015 PMID: 25741868, with internal and published modifications).